The following is an entry in ClinVar:

ClinVar aggregate classification (germline): Conflicting classifications of pathogenicity. Review status: criteria provided, conflicting classifications (1 of 4 stars). 2 submissions from 2 submitters: Likely pathogenic (1); Uncertain significance (1). Last evaluated 2025-12-18.

Conditions:
Lowe syndrome (OCRL). Also called: LOWE OCULOCEREBRORENAL SYNDROME; PHOSPHATIDYLINOSITOL 4,5-BISPHOSPHATE 5-PHOSPHATASE DEFICIENCY; Oculocerebrorenal Syndrome. Identifiers: Orphanet 534, MedGen C0028860, MONDO:0010645, OMIM 309000.

Submissions (2):

Women's Health and Genetics/Laboratory Corporation of America, LabCorp
Classification: Uncertain significance. Last evaluated: 2025-12-18. Review status: criteria provided, single submitter. Criteria: LabCorp Variant Classification Summary - May 2015. Collection method: clinical testing. Allele origin: germline.
Comment: Variant summary: OCRL c.722G>C (p.Arg241Thr) results in a non-conservative amino acid change in the encoded protein sequence. Algorithms developed to predict the effect of missense changes on protein structure and function all suggest that this variant is likely to be disruptive. Several computational tools predict a significant impact on normal splicing: Three predict the variant weakens a canonical 5' donor site. One predict the variant weakens a canonical 5' donor site. However, these predictions have yet to be confirmed by functional studies. The variant was absent in 181560 control chromosomes. The available data on variant occurrences in the general population are insufficient to allow any conclusion about variant significance. To our knowledge, no occurrence of c.722G>C in individuals affected with OCRL-related conditions and no experimental evidence demonstrating its impact on protein function have been reported. ClinVar contains an entry for this variant (Variation ID: 2663972). Based on the evidence outlined above, the variant was classified as uncertain significance.

Neuberg Centre For Genomic Medicine, NCGM
Classification: Likely pathogenic for Lowe syndrome. Review status: criteria provided, single submitter. Criteria: ACMG Guidelines, 2015. Collection method: clinical testing. Allele origin: germline. Inheritance: X-linked inheritance. Affected: yes.
Comment: The missense c.722G>C (p.Arg241Thr) variant in OCRL gene has not been reported previously as a pathogenic variant nor as a benign variant, to our knowledge. The p.Arg241Thr variant is novel (not in any individuals) in both gnomAD Exomes and 1000 Genomes databases. This variant has not been reported to the ClinVar database. The amino acid change p.Arg241Thr in OCRL is predicted as conserved by GERP++ and PhyloP across 100 vertebrates. The amino acid Arg at position 241 is changed to a Thr changing protein sequence and it might alter its composition and physico-chemical properties. The p.Arg241Thr variant is present at the last position of exon 8, and is a single base pair away from the nearest splice site that is downstream from the variant. SpliceAI predicts a donor gain of 0.31 for this variant. A missense change c.741G>T; p.(Trp247Cys), downstream of the above variant, has been reported to disrupt splicing enhancer motifs that resulted in skipping of exon 9 (Suarez-Artiles et al. 2018). Additional studies will be required to prove the pathogenicity of this variant. For these reasons, this variant has been classified as Likely Pathogenic.

NM_000276.4(OCRL):c.722G>C (p.Arg241Thr)

Gene: OCRL (OCRL inositol polyphosphate-5-phosphatase; plus strand). Cytogenetic location: Xq26.1.
Variant type: single nucleotide variant.
Coding change: c.722G>C on transcript NM_000276.4 (MANE Select); coding-DNA position 722, G replaced by C.
Protein change: p.Arg241Thr; replaces arginine 241 with threonine.
Molecular consequence: missense variant.
Genome position (GRCh38, 1-based): chrX:129,559,001, G>C. VCF-style: chrX-129559001-G-C. GRCh37 (hg19) VCF-style: chrX-128692978-G-C.
Other names: c.725G>C, p.Arg242Thr (NM_001318784.2); c.722G>C, p.Arg241Thr (NM_001587.4); short protein forms R241T, R242T.
Identifiers: ClinVar variation 2663972 (VCV002663972.2), dbSNP rs2521879319, ClinGen allele CA414551899.